The following is an entry in ClinVar:

ClinVar aggregate classification (germline): Benign/Likely benign. Review status: criteria provided, multiple submitters, no conflicts (2 of 4 stars). 5 submissions from 5 submitters: Benign (1); Likely benign (4). Last evaluated 2026-02-01.

Conditions:
Birt-Hogg-Dube syndrome 1 (BHD1). Also called: FIBROFOLLICULOMAS WITH TRICHODISCOMAS AND ACROCHORDONS. Identifiers: Orphanet 122, MedGen CN375946, MONDO:0800445, OMIM 135150.
Birt-Hogg-Dube syndrome. Also called: Birt Hogg Dubé syndrome. Identifiers: Orphanet 122, MedGen C0346010, MONDO:0800444.
Hereditary cancer-predisposing syndrome. Also called: Neoplastic Syndromes, Hereditary; Hereditary Cancer Syndrome; Tumor predisposition; Hereditary neoplastic syndrome. Identifiers: Orphanet 140162, MedGen C0027672, MeSH D009386, MONDO:0015356.

Submissions (5):

CeGaT Center for Human Genetics Tuebingen
Classification: Likely benign. Last evaluated: 2026-02-01. Review status: criteria provided, single submitter. Criteria: CeGaT Center For Human Genetics Tuebingen Variant Classification Criteria Version 2. Collection method: clinical testing. Allele origin: germline. Affected: yes. Observed: 1 variant allele.
Comment: FLCN: PM2:Supporting, BP4, BP7

Labcorp Genetics (formerly Invitae), Labcorp
Classification: Likely benign for Birt-Hogg-Dube syndrome. Last evaluated: 2025-08-26. Review status: criteria provided, single submitter. Criteria: Invitae Variant Classification Sherloc (09022015). Collection method: clinical testing. Allele origin: germline.

Center for Genomic Medicine, Rigshospitalet, Copenhagen University Hospital
Classification: Likely benign. Last evaluated: 2025-03-04. Review status: criteria provided, single submitter. Criteria: ACMG Guidelines, 2015. Collection method: clinical testing. Allele origin: germline.

Myriad Genetics, Inc.
Classification: Benign for Birt-Hogg-Dube syndrome 1. Last evaluated: 2024-10-22. Review status: criteria provided, single submitter. Criteria: Myriad Autosomal Dominant, Autosomal Recessive and X-Linked Classification Criteria (2023). Collection method: clinical testing. Allele origin: unknown.
Comment: This variant is considered benign. This variant is a silent/synonymous amino acid change and it is not expected to impact splicing.

Ambry Genetics
Classification: Likely benign for Hereditary cancer-predisposing syndrome. Last evaluated: 2020-05-18. Review status: criteria provided, single submitter. Criteria: Ambry Variant Classification Scheme 2023. Collection method: clinical testing. Allele origin: germline.

NM_144997.7(FLCN):c.333C>T (p.His111=)

Gene: FLCN (folliculin; minus strand). Cytogenetic location: 17p11.2.
Variant type: single nucleotide variant.
Coding change: c.333C>T on transcript NM_144997.7 (MANE Select); coding-DNA position 333, C replaced by T.
Protein change: p.His111=; no amino-acid change (histidine 111 retained).
Molecular consequence: synonymous variant.
Genome position (GRCh38, 1-based): chr17:17,226,239, G>A on the plus strand (C>T on the coding strand, the complement: FLCN is on the minus strand). VCF-style: chr17-17226239-G-A. GRCh37 (hg19) VCF-style: chr17-17129553-G-A.
Other names: c.333C>T, p.His111= (NM_001353229.2, NM_001353230.2, NM_001353231.2 and 1 more transcripts); c.333C>T (LRG_325t1).
Identifiers: ClinVar variation 530002 (VCV000530002.24), dbSNP rs1555610924, ClinGen allele CA498167685.